The following is an entry in ClinVar:

NM_006516.4(SLC2A1):c.725del (p.Gln242fs)

Gene: SLC2A1 (solute carrier family 2 member 1; minus strand). Cytogenetic location: 1p34.2.
Variant type: Deletion.
Coding change: c.725del on transcript NM_006516.4 (MANE Select); coding-DNA position 725, one base deleted (A; older notation c.725delA).
Protein change: p.Gln242fs; shifts the reading frame from glutamine 242.
Molecular consequence: frameshift variant.
Genome position (GRCh38, 1-based): chr1:42,929,735, T deleted on the plus strand (A on the coding strand, the reverse complement: SLC2A1 is on the minus strand). VCF-style (leftmost placement, unchanged base first): chr1-42929734-CT-C. GRCh37 (hg19) VCF-style: chr1-43395405-CT-C.
Other names: c.725del (NM_006516.2); short protein forms Q242fs.
Identifiers: ClinVar variation 2733883 (VCV002733883.4), dbSNP rs80359835, ClinGen allele CA21251155.

ClinVar aggregate classification (germline): Pathogenic. Review status: criteria provided, multiple submitters, no conflicts (2 of 4 stars). 2 submissions from 2 submitters: Pathogenic (2). Last evaluated 2024-11-07.

Conditions:
GLUT1 deficiency syndrome 1, autosomal recessive. Identifiers: MedGen C3149117.

Submissions (2):

GeneDx
Classification: Pathogenic. Last evaluated: 2024-11-07. Review status: criteria provided, single submitter. Criteria: GeneDx Variant Classification Process June 2021. Collection method: clinical testing. Allele origin: germline. Affected: yes.
Comment: Frameshift variant predicted to result in protein truncation or nonsense mediated decay in a gene for which loss of function is a known mechanism of disease; Not observed at significant frequency in large population cohorts (gnomAD); This variant is associated with the following publications: (PMID: 10980529)

Labcorp Genetics (formerly Invitae), Labcorp
Classification: Pathogenic for GLUT1 deficiency syndrome 1, autosomal recessive. Last evaluated: 2023-11-24. Review status: criteria provided, single submitter. Criteria: Invitae Variant Classification Sherloc (09022015). Collection method: clinical testing. Allele origin: germline.
Comment: This sequence change creates a premature translational stop signal (p.Gln242Argfs*3) in the SLC2A1 gene. It is expected to result in an absent or disrupted protein product. Loss-of-function variants in SLC2A1 are known to be pathogenic (PMID: 21832227, 26193382). This variant is not present in population databases (gnomAD no frequency). This premature translational stop signal has been observed in individual(s) with glucose transporter type 1 deficiency syndrome (PMID: 10980529). For these reasons, this variant has been classified as Pathogenic.

Literature cited by the submitters: PubMed 21832227 (cited by Labcorp Genetics (formerly Invitae), Labcorp); PubMed 26193382 (cited by Labcorp Genetics (formerly Invitae), Labcorp); PubMed 10980529 (cited by Labcorp Genetics (formerly Invitae), Labcorp).